The following is an entry in ClinVar:

ClinVar aggregate classification (germline): Uncertain significance (1 of 4 stars; one submission).

Submission:

Labcorp Genetics (formerly Invitae), Labcorp
Classification: Uncertain significance. Last evaluated: 2023-11-01. Review status: criteria provided, single submitter. Criteria: Invitae Variant Classification Sherloc (09022015). Collection method: clinical testing. Allele origin: germline.
Comment: This sequence change replaces alanine, which is neutral and non-polar, with threonine, which is neutral and polar, at codon 1393 of the SRCAP protein (p.Ala1393Thr). This variant is not present in population databases (gnomAD no frequency). This variant has not been reported in the literature in individuals affected with SRCAP-related conditions. Advanced modeling of protein sequence and biophysical properties (such as structural, functional, and spatial information, amino acid conservation, physicochemical variation, residue mobility, and thermodynamic stability) performed at Invitae indicates that this missense variant is not expected to disrupt SRCAP protein function with a negative predictive value of 80%. In summary, the available evidence is currently insufficient to determine the role of this variant in disease. Therefore, it has been classified as a Variant of Uncertain Significance.

NM_006662.3(SRCAP):c.4177G>A (p.Ala1393Thr)

Gene: SRCAP (Snf2 related CREBBP activator protein; plus strand). Cytogenetic location: 16p11.2.
Variant type: single nucleotide variant.
Coding change: c.4177G>A on transcript NM_006662.3 (MANE Select); coding-DNA position 4177, G replaced by A.
Protein change: p.Ala1393Thr; replaces alanine 1393 with threonine.
Molecular consequence: missense variant.
Genome position (GRCh38, 1-based): chr16:30,723,601, G>A. VCF-style: chr16-30723601-G-A. GRCh37 (hg19) VCF-style: chr16-30734922-G-A.
Other names: short protein forms A1393T.
Identifiers: ClinVar variation 2789103 (VCV002789103.3), dbSNP rs2506676518, ClinGen allele CA395615482.